The following is an entry in ClinVar:

ClinVar aggregate classification (germline): Uncertain significance (1 of 4 stars; one submission).

Conditions:
Immunodeficiency 51 (IMD51). Also called: CANDIDIASIS, FAMILIAL, 5. Identifiers: Orphanet 1334, MedGen C4310803, MONDO:0013500, OMIM 613953.

Submission:

Labcorp Genetics (formerly Invitae), Labcorp
Classification: Uncertain significance for Immunodeficiency 51. Last evaluated: 2022-03-19. Review status: criteria provided, single submitter. Criteria: Invitae Variant Classification Sherloc (09022015). Collection method: clinical testing. Allele origin: germline.
Comment: This variant is not present in population databases (gnomAD no frequency). In summary, the available evidence is currently insufficient to determine the role of this variant in disease. Therefore, it has been classified as a Variant of Uncertain Significance. Algorithms developed to predict the effect of missense changes on protein structure and function are either unavailable or do not agree on the potential impact of this missense change (SIFT: "Tolerated"; PolyPhen-2: "Not Available"; Align-GVGD: "Class C0"). ClinVar contains an entry for this variant (Variation ID: 648874). This variant has not been reported in the literature in individuals affected with IL17RA-related conditions. This sequence change replaces alanine, which is neutral and non-polar, with aspartic acid, which is acidic and polar, at codon 27 of the IL17RA protein (p.Ala27Asp).

NM_014339.7(IL17RA):c.80C>A (p.Ala27Asp)

Gene: IL17RA (interleukin 17 receptor A; plus strand). Cytogenetic location: 22q11.1.
Variant type: single nucleotide variant.
Coding change: c.80C>A on transcript NM_014339.7 (MANE Select); coding-DNA position 80, C replaced by A.
Protein change: p.Ala27Asp; replaces alanine 27 with aspartic acid.
Molecular consequence: missense variant.
Genome position (GRCh38, 1-based): chr22:17,085,171, C>A. VCF-style: chr22-17085171-C-A. GRCh37 (hg19) VCF-style: chr22-17566061-C-A.
Other names: c.80C>A, p.Ala27Asp (NM_001289905.2); short protein forms A27D.
Identifiers: ClinVar variation 648874 (VCV000648874.8), dbSNP rs1490955421, ClinGen allele CA410210201.